The following is an entry in ClinVar:

ClinVar aggregate classification (germline): Likely pathogenic (1 of 4 stars; one submission).

Conditions:
ACTB-associated syndromic thrombocytopenia (THC8). Also called: THROMBOCYTOPENIA 8, WITH DYSMORPHIC FEATURES AND DEVELOPMENTAL DELAY; THROMBOCYTOPENIA, AUTOSOMAL DOMINANT, 8. Identifiers: Orphanet 674653, MedGen C5882677, MONDO:0100433, OMIM 620475.

Submission:

Molecular Genetics Laboratory, Motol Hospital
Classification: Likely pathogenic for ACTB-associated syndromic thrombocytopenia. Last evaluated: 2026-06-10. Review status: criteria provided, single submitter. Criteria: ACMG Guidelines, 2015. Collection method: clinical testing. Allele origin: germline. Inheritance: Sporadic. Affected: yes. Observed: 1 variant allele, 1 heterozygote.
Comment: A rare variant not present in control non-Finnish European population (gnomAD v4.1.1) (PM2). Rare missense variant in the exon 5 of the ACTB gene are associated with autosomal dominant syndromic thrombocytopenia 8 (THC8) (PP2). Located in the mutation hotspot in the exon 5 of the THC8 (PM1, PP3). The variant is classified as likely pathogenic.

Literature cited by the submitters: PubMed 30315159.

NM_001101.5(ACTB):c.936G>T (p.Arg312Ser)

Gene: ACTB (actin beta; minus strand). Cytogenetic location: 7p22.1.
Variant type: single nucleotide variant.
Coding change: c.936G>T on transcript NM_001101.5 (MANE Select); coding-DNA position 936, G replaced by T.
Protein change: p.Arg312Ser; replaces arginine 312 with serine.
Molecular consequence: missense variant.
Genome position (GRCh38, 1-based): chr7:5,528,052, C>A on the plus strand (G>T on the coding strand, the complement: ACTB is on the minus strand). VCF-style: chr7-5528052-C-A. GRCh37 (hg19) VCF-style: chr7-5567683-C-A.
Other names: short protein forms R312S.
Identifiers: ClinVar variation 4857233 (VCV004857233.1).